The following is an entry in ClinVar:

NM_000238.4(KCNH2):c.3163C>G (p.Arg1055Gly)

Gene: KCNH2 (potassium voltage-gated channel subfamily H member 2; minus strand). Cytogenetic location: 7q36.1.
Variant type: single nucleotide variant.
Coding change: c.3163C>G on transcript NM_000238.4 (MANE Select); coding-DNA position 3163, C replaced by G.
Protein change: p.Arg1055Gly; replaces arginine 1055 with glycine.
Molecular consequence: missense variant.
Genome position (GRCh38, 1-based): chr7:150,947,044, G>C on the plus strand (C>G on the coding strand, the complement: KCNH2 is on the minus strand). VCF-style: chr7-150947044-G-C. GRCh37 (hg19) VCF-style: chr7-150644132-G-C.
Other names: c.2875C>G, p.Arg959Gly (NM_001406753.1); c.2143C>G, p.Arg715Gly (NM_172057.3); short protein forms R1055G, R959G, R715G.
Identifiers: ClinVar variation 1728334 (VCV001728334.8), dbSNP rs541259035, ClinGen allele CA169071498.

ClinVar aggregate classification (germline): Uncertain significance. Review status: criteria provided, multiple submitters, no conflicts (2 of 4 stars). 3 submissions from 3 submitters: Uncertain significance (3). Last evaluated 2025-12-21.

Conditions:
Long QT syndrome (LQTS). Identifiers: MedGen C0023976, MeSH D008133, MONDO:0002442. Disease mechanism: loss of function. Inheritance: Various modes of inheritance.
Cardiovascular phenotype. Identifiers: MedGen CN230736.

gnomAD v4.1: 2 of 1,600,652 alleles (0.00012%); no homozygotes.

Submissions (3):

Labcorp Genetics (formerly Invitae), Labcorp
Classification: Uncertain significance for Long QT syndrome. Last evaluated: 2025-12-21. Review status: criteria provided, single submitter. Criteria: Invitae Variant Classification Sherloc (09022015). Collection method: clinical testing. Allele origin: germline.
Comment: This sequence change replaces arginine, which is basic and polar, with glycine, which is neutral and non-polar, at codon 1055 of the KCNH2 protein (p.Arg1055Gly). This variant is not present in population databases (gnomAD no frequency). This variant has not been reported in the literature in individuals affected with KCNH2-related conditions. ClinVar contains an entry for this variant (Variation ID: 1728334). An algorithm developed to predict the effect of missense changes on protein structure and function (PolyPhen-2) suggests that this variant is likely to be disruptive. In summary, the available evidence is currently insufficient to determine the role of this variant in disease. Therefore, it has been classified as a Variant of Uncertain Significance.

Women's Health and Genetics/Laboratory Corporation of America, LabCorp
Classification: Uncertain significance. Last evaluated: 2024-09-09. Review status: criteria provided, single submitter. Criteria: LabCorp Variant Classification Summary - May 2015. Collection method: clinical testing. Allele origin: germline.

Ambry Genetics
Classification: Uncertain significance for Cardiovascular phenotype. Last evaluated: 2022-07-28. Review status: criteria provided, single submitter. Criteria: Ambry Variant Classification Scheme 2023. Collection method: clinical testing. Allele origin: germline.
Comment: The p.R1055G variant (also known as c.3163C>G), located in coding exon 14 of the KCNH2 gene, results from a C to G substitution at nucleotide position 3163. The arginine at codon 1055 is replaced by glycine, an amino acid with dissimilar properties. This amino acid position is well conserved in available vertebrate species. In addition, this alteration is predicted to be deleterious by in silico analysis. Since supporting evidence is limited at this time, the clinical significance of this alteration remains unclear.